The following is an entry in ClinVar:

ClinVar aggregate classification (germline): Uncertain significance. Review status: criteria provided, multiple submitters, no conflicts (2 of 4 stars). 3 submissions from 3 submitters: Uncertain significance (3). Last evaluated 2024-09-16.

Conditions:
Cardiovascular phenotype. Identifiers: MedGen CN230736.

Allele frequency attached by ClinVar (database versions not stated): gnomAD exomes below 0.00001; TOPMed 0.00001.
gnomAD v4.1: 1 of 1,613,880 alleles (0.000062%); highest among the groups gnomAD compares: Non-Finnish European, 0.000085%; no homozygotes.

Submissions (3):

Labcorp Genetics (formerly Invitae), Labcorp
Classification: Uncertain significance. Last evaluated: 2024-09-16. Review status: criteria provided, single submitter. Criteria: Invitae Variant Classification Sherloc (09022015). Collection method: clinical testing. Allele origin: germline.
Comment: This sequence change replaces glutamic acid, which is acidic and polar, with lysine, which is basic and polar, at codon 533 of the ALPK3 protein (p.Glu533Lys). This variant is present in population databases (no rsID available, gnomAD 0.0009%). This variant has not been reported in the literature in individuals affected with ALPK3-related conditions. ClinVar contains an entry for this variant (Variation ID: 1498403). An algorithm developed to predict the effect of missense changes on protein structure and function (PolyPhen-2) suggests that this variant is likely to be tolerated. In summary, the available evidence is currently insufficient to determine the role of this variant in disease. Therefore, it has been classified as a Variant of Uncertain Significance.

GeneDx
Classification: Uncertain significance. Last evaluated: 2024-03-20. Review status: criteria provided, single submitter. Criteria: GeneDx Variant Classification Process June 2021. Collection method: clinical testing. Allele origin: germline. Affected: yes.
Comment: Has not been previously published as pathogenic or benign to our knowledge; Not observed at significant frequency in large population cohorts (gnomAD); In silico analysis supports that this missense variant does not alter protein structure/function

Ambry Genetics
Classification: Uncertain significance for Cardiovascular phenotype. Last evaluated: 2023-05-14. Review status: criteria provided, single submitter. Criteria: Ambry Variant Classification Scheme 2023. Collection method: clinical testing. Allele origin: germline.
Comment: The p.E533K variant (also known as c.1597G>A), located in coding exon 5 of the ALPK3 gene, results from a G to A substitution at nucleotide position 1597. The glutamic acid at codon 533 is replaced by lysine, an amino acid with similar properties. This amino acid position is conserved. In addition, this alteration is predicted to be tolerated by in silico analysis. Since supporting evidence is limited at this time, the clinical significance of this alteration remains unclear.

NM_020778.5(ALPK3):c.991G>A (p.Glu331Lys)

Gene: ALPK3 (alpha kinase 3; plus strand). Cytogenetic location: 15q25.3.
Variant type: single nucleotide variant.
Coding change: c.991G>A on transcript NM_020778.5 (MANE Select); coding-DNA position 991, G replaced by A.
Protein change: p.Glu331Lys; replaces glutamic acid 331 with lysine.
Molecular consequence: missense variant.
Genome position (GRCh38, 1-based): chr15:84,840,270, G>A. VCF-style: chr15-84840270-G-A. GRCh37 (hg19) VCF-style: chr15-85383501-G-A.
Other names: c.1597G>A (NM_020778.4); short protein forms E331K.
Identifiers: ClinVar variation 1498403 (VCV001498403.9), dbSNP rs1366856276, ClinGen allele CA393374007.